The following is an entry in ClinVar:

NM_001184.4(ATR):c.4886T>C (p.Val1629Ala)

Gene: ATR (ATR checkpoint kinase; minus strand). Cytogenetic location: 3q23.
Variant type: single nucleotide variant.
Coding change: c.4886T>C on transcript NM_001184.4 (MANE Select); coding-DNA position 4886, T replaced by C.
Protein change: p.Val1629Ala; replaces valine 1629 with alanine.
Molecular consequence: missense variant.
Genome position (GRCh38, 1-based): chr3:142,508,076, A>G on the plus strand (T>C on the coding strand, the complement: ATR is on the minus strand). VCF-style: chr3-142508076-A-G. GRCh37 (hg19) VCF-style: chr3-142226918-A-G.
Other names: c.4694T>C, p.Val1565Ala (NM_001354579.2); short protein forms V1565A, V1629A.
Identifiers: ClinVar variation 1743819 (VCV001743819.2), dbSNP rs2473200543, ClinGen allele CA354820893.

ClinVar aggregate classification (germline): Uncertain significance (1 of 4 stars; one submission).

Conditions:
Inborn genetic diseases. Identifiers: MedGen C0950123, MeSH D030342.

Submission:

Ambry Genetics
Classification: Uncertain significance for Inborn genetic diseases. Last evaluated: 2021-11-06. Review status: criteria provided, single submitter. Criteria: Ambry Variant Classification Scheme 2023. Collection method: clinical testing. Allele origin: germline.
Comment: The p.V1629A variant (also known as c.4886T>C), located in coding exon 28 of the ATR gene, results from a T to C substitution at nucleotide position 4886. The valine at codon 1629 is replaced by alanine, an amino acid with similar properties. This amino acid position is conserved. In addition, the in silico prediction for this alteration is inconclusive. Since supporting evidence is limited at this time, the clinical significance of this alteration remains unclear.